The following is an entry in ClinVar:

NC_000002.12:g.(?_32114618)_(32128499_?)del

Gene: SPAST (spastin; plus strand). Cytogenetic location: 2p22.3.
Variant type: Deletion.
Identifiers: ClinVar variation 536453 (VCV000536453.3).

ClinVar aggregate classification (germline): Pathogenic (1 of 4 stars; one submission).

Conditions:
Hereditary spastic paraplegia 4. Also called: Spastic Paraplegia 4; Familial spastic paraplegia autosomal dominant 2; Spastic paraplegia 4, autosomal dominant. Identifiers: Orphanet 100985, MedGen C1866855, MONDO:0008438, OMIM 182601.

Submission:

Labcorp Genetics (formerly Invitae), Labcorp
Classification: Pathogenic for Hereditary spastic paraplegia 4. Last evaluated: 2017-10-02. Review status: criteria provided, single submitter. Criteria: Invitae Variant Classification Sherloc (09022015). Collection method: clinical testing. Allele origin: germline.
Comment: For these reasons, this variant has been classified as Pathogenic. Loss-of-function variants in SPAST are known to be pathogenic (PMID: 20932283). This copy number variant has not been reported in the literature in individuals with SPAST-related disease. ¬†Smaller deletions of this region, which also create a truncated SPAST protein, have been reported in several individuals affected with hereditary spastic paraplegia (PMID: 25065914, 17098887). This variant is an out-of-frame deletion of the genomic region encompassing exons 5-9 of the SPAST gene. This is expected to create a premature translational stop signal and result in an absent or disrupted protein product.

Literature cited by the submitters: PubMed 20932283; PubMed 25065914; PubMed 17098887.